The following is an entry in ClinVar:

ClinVar aggregate classification (germline): Likely benign (1 of 4 stars; one submission).

Allele frequency attached by ClinVar (database versions not stated): ExAC 0.00012; ESP Exome Variant Server 0.00015.
gnomAD v4.1: 317 of 1,613,926 alleles (0.02%); highest among the groups gnomAD compares: Admixed American, 0.028%; no homozygotes.

Submission:

CeGaT Center for Human Genetics Tuebingen
Classification: Likely benign. Last evaluated: 2023-09-01. Review status: criteria provided, single submitter. Criteria: CeGaT Center For Human Genetics Tuebingen Variant Classification Criteria Version 2. Collection method: clinical testing. Allele origin: germline. Affected: yes. Observed: 1 variant allele.
Comment: FLG: BP4

NM_002016.2(FLG):c.11552C>T (p.Ala3851Val)

Genes: CCDST (cervical cancer associated DHX9 suppressive transcript; plus strand), FLG (filaggrin; minus strand). Cytogenetic location: 1q21.3.
Variant type: single nucleotide variant.
Coding change: c.11552C>T on transcript NM_002016.2 (MANE Select); coding-DNA position 11552, C replaced by T.
Protein change: p.Ala3851Val; replaces alanine 3851 with valine.
Molecular consequence: missense variant.
Genome position (GRCh38, 1-based): chr1:152,303,334, G>A on the plus strand (C>T on the coding strand, the complement: FLG is on the minus strand). VCF-style: chr1-152303334-G-A. GRCh37 (hg19) VCF-style: chr1-152275810-G-A.
Other names: short protein forms A3851V.
Identifiers: ClinVar variation 2582860 (VCV002582860.25), dbSNP rs150496930, ClinGen allele CA1102865.